The following is an entry in ClinVar:

NM_001304438.2(TMEM132E):c.1697G>A (p.Arg566Gln)

Gene: TMEM132E (transmembrane protein 132E; plus strand). Cytogenetic location: 17q12.
Variant type: single nucleotide variant.
Coding change: c.1697G>A on transcript NM_001304438.2 (MANE Select); coding-DNA position 1697, G replaced by A.
Protein change: p.Arg566Gln; replaces arginine 566 with glutamine.
Molecular consequence: missense variant.
Genome position (GRCh38, 1-based): chr17:34,634,807, G>A. VCF-style: chr17-34634807-G-A. GRCh37 (hg19) VCF-style: chr17-32961826-G-A.
Other names: short protein forms R566Q.
Identifiers: ClinVar variation 1520936 (VCV001520936.6), dbSNP rs763927718, ClinGen allele CA8496780.
Genomic context (GRCh38, chr17:34,634,807, plus strand): 5'-GCAGGTCAGAGTCCAGGTGAGAAGCCTTCAGCATGGCATGTCCCCACCCCAGGTCAGTCC[G>A]GGAAAGCGAGGATGAGGATGAGGAGGAGGAGGAGCGGCGGCAGAGTGCAAGCCGTGGCTG-3'
Protein context (NP_001291367.1, residues 556-576): VPILPDRRSV[Arg566Gln]ESEDEDEEEE

ClinVar aggregate classification (germline): Uncertain significance (1 of 4 stars; one submission).

Allele frequency attached by ClinVar (database versions not stated): ExAC 0.00001; gnomAD 0.00002; gnomAD exomes 0.00002; TOPMed 0.00002.
gnomAD v4.1: 26 of 1,612,514 alleles (0.0016%); highest among the groups gnomAD compares: East Asian, 0.0022%; no homozygotes.

Submission:

Labcorp Genetics (formerly Invitae), Labcorp
Classification: Uncertain significance. Last evaluated: 2021-09-22. Review status: criteria provided, single submitter. Criteria: Invitae Variant Classification Sherloc (09022015). Collection method: clinical testing. Allele origin: germline.
Comment: This sequence change replaces arginine with glutamine at codon 566 of the TMEM132E protein (p.Arg566Gln). The arginine residue is highly conserved and there is a small physicochemical difference between arginine and glutamine. This variant is present in population databases (rs763927718, ExAC 0.008%). This variant has not been reported in the literature in individuals affected with TMEM132E-related conditions. Algorithms developed to predict the effect of missense changes on protein structure and function are either unavailable or do not agree on the potential impact of this missense change (SIFT: "Deleterious"; PolyPhen-2: "Not Available"; Align-GVGD: "Class C0"). In summary, the available evidence is currently insufficient to determine the role of this variant in disease. Therefore, it has been classified as a Variant of Uncertain Significance.